The following is an entry in ClinVar:

NM_201384.3(PLEC):c.4233G>A (p.Ala1411=)

Gene: PLEC (plectin; minus strand). Cytogenetic location: 8q24.3.
Variant type: single nucleotide variant.
Coding change: c.4233G>A on transcript NM_201384.3 (MANE Select); coding-DNA position 4233, G replaced by A.
Protein change: p.Ala1411=; no amino-acid change (alanine 1411 retained).
Molecular consequence: synonymous variant.
Genome position (GRCh38, 1-based): chr8:143,925,696, C>T on the plus strand (G>A on the coding strand, the complement: PLEC is on the minus strand). VCF-style: chr8-143925696-C-T. GRCh37 (hg19) VCF-style: chr8-144999864-C-T.
Other names: c.4314G>A, p.Ala1438= (NM_000445.5); c.4191G>A, p.Ala1397= (NM_201378.4); c.4167G>A, p.Ala1389= (NM_201379.3); c.4644G>A, p.Ala1548= (NM_201380.4); c.4137G>A, p.Ala1379= (NM_201381.3); c.4233G>A, p.Ala1411= (NM_201382.4); c.4245G>A, p.Ala1415= (NM_201383.3).
Identifiers: ClinVar variation 196749 (VCV000196749.47), dbSNP rs2855760, ClinGen allele CA243975.

ClinVar aggregate classification (germline): Conflicting classifications of pathogenicity. Review status: criteria provided, conflicting classifications (1 of 4 stars). 5 submissions from 5 submitters: Uncertain significance (1); Likely benign (4). Last evaluated 2026-01-12.

Conditions:
Epidermolysis bullosa simplex, Ogna type (EBS5A). Also called: Pidermolysis bullosa simplex 5A, Ogna type; EPIDERMOLYSIS BULLOSA SIMPLEX 5A, OGNA TYPE. Identifiers: Orphanet 79401, MedGen C0432317, MONDO:0007555, OMIM 131950.
Epidermolysis bullosa simplex 5C, with pyloric atresia (EBS5C). Also called: PLEC-Related Epidermolysis Bullosa with Pyloric Atresia; Epidermolysis bullosa simplex with pyloric atresia; PLEC1-Related Epidermolysis Bullosa with Pyloric Atresia. Identifiers: Orphanet 158684, MedGen C2677349, MONDO:0012807, OMIM 612138.
Autosomal recessive limb-girdle muscular dystrophy type 2Q (LGMDR17). Also called: MUSCULAR DYSTROPHY, LIMB-GIRDLE, AUTOSOMAL RECESSIVE 17. Identifiers: Orphanet 254361, MedGen C3150989, MONDO:0013390, OMIM 613723.
Epidermolysis bullosa simplex with nail dystrophy (EBS5D). Identifiers: MedGen C4225309, MONDO:0014661, OMIM 616487.
Epidermolysis bullosa simplex 5B, with muscular dystrophy (EBS5B). Also called: EPIDERMOLYSIS BULLOSA SIMPLEX AND LIMB-GIRDLE MUSCULAR DYSTROPHY; Epidermolysis bullosa simplex with muscular dystrophy. Identifiers: Orphanet 257, MedGen C2931072, MONDO:0009181, OMIM 226670.

Allele frequency attached by ClinVar (database versions not stated): 1000 Genomes Project 0.00040; gnomAD 0.00042 and 0.00044; 1000 Genomes Project 30x 0.00047; ExAC 0.00048; gnomAD exomes 0.00048; TOPMed 0.00049; ESP Exome Variant Server 0.00098.
gnomAD v4.1: 1,015 of 1,591,872 alleles (0.064%); highest among the groups gnomAD compares: Non-Finnish European, 0.077%; 1 homozygote.

Submissions (5):

Labcorp Genetics (formerly Invitae), Labcorp
Classification: Likely benign for Autosomal recessive limb-girdle muscular dystrophy type 2Q; Epidermolysis bullosa simplex, Ogna type; Epidermolysis bullosa simplex with nail dystrophy; Epidermolysis bullosa simplex 5C, with pyloric atresia; Epidermolysis bullosa simplex 5B, with muscular dystrophy. Last evaluated: 2026-01-12. Review status: criteria provided, single submitter. Criteria: Invitae Variant Classification Sherloc (09022015). Collection method: clinical testing. Allele origin: germline.

CeGaT Center for Human Genetics Tuebingen
Classification: Likely benign. Last evaluated: 2025-02-01. Review status: criteria provided, single submitter. Criteria: CeGaT Center For Human Genetics Tuebingen Variant Classification Criteria Version 2. Collection method: clinical testing. Allele origin: germline. Affected: yes. Observed: 3 variant alleles.
Comment: PLEC: BP4, BP7

Blueprint Genetics
Classification: Likely benign. Last evaluated: 2024-11-21. Review status: criteria provided, single submitter. Criteria: ACMG Guidelines, 2015. Collection method: clinical testing. Allele origin: germline.

GeneDx
Classification: Likely benign. Last evaluated: 2021-04-07. Review status: criteria provided, single submitter. Criteria: GeneDx Variant Classification Process June 2021. Collection method: clinical testing. Allele origin: germline. Affected: yes.

Eurofins Ntd Llc (ga)
Classification: Uncertain significance. Last evaluated: 2018-06-05. Review status: criteria provided, single submitter. Criteria: EGL ClinVar v180209 classification definitions. Collection method: clinical testing. Allele origin: germline. Observed: 6 variant alleles, 6 heterozygotes.